The following is an entry in ClinVar:

NM_002941.4(ROBO1):c.2839+3A>G

Gene: ROBO1 (roundabout guidance receptor 1; minus strand). Cytogenetic location: 3p12.3.
Variant type: single nucleotide variant.
Coding change: c.2839+3A>G on transcript NM_002941.4 (MANE Select); 3 bases into the intron after coding-DNA position 2839, A replaced by G.
Molecular consequence: intron variant.
Genome position (GRCh38, 1-based): chr3:78,647,626, T>C on the plus strand (A>G on the coding strand, the complement: ROBO1 is on the minus strand). VCF-style: chr3-78647626-T-C. GRCh37 (hg19) VCF-style: chr3-78696776-T-C.
Other names: c.2705-1436A>G (NM_001145845.2, NM_133631.4).
Identifiers: ClinVar variation 2110482 (VCV002110482.4), dbSNP rs1706384359, ClinGen allele CA1377263852.

ClinVar aggregate classification (germline): Uncertain significance (1 of 4 stars; one submission).

Submission:

Labcorp Genetics (formerly Invitae), Labcorp
Classification: Uncertain significance. Last evaluated: 2022-03-12. Review status: criteria provided, single submitter. Criteria: Invitae Variant Classification Sherloc (09022015). Collection method: clinical testing. Allele origin: germline.
Comment: Variants that disrupt the consensus splice site are a relatively common cause of aberrant splicing (PMID: 17576681, 9536098). Algorithms developed to predict the effect of sequence changes on RNA splicing suggest that this variant may disrupt the consensus splice site. This variant is not present in population databases (gnomAD no frequency). This variant has not been reported in the literature in individuals affected with ROBO1-related conditions. This sequence change falls in intron 20 of the ROBO1 gene. It does not directly change the encoded amino acid sequence of the ROBO1 protein. It affects a nucleotide within the consensus splice site. In summary, the available evidence is currently insufficient to determine the role of this variant in disease. Therefore, it has been classified as a Variant of Uncertain Significance.

Literature cited by the submitters: PubMed 17576681; PubMed 9536098.